The following is an entry in ClinVar:

NM_001083962.2(TCF4):c.529C>T (p.Pro177Ser)

Gene: TCF4 (transcription factor 4; minus strand). Cytogenetic location: 18q21.2.
Variant type: single nucleotide variant.
Coding change: c.529C>T on transcript NM_001083962.2 (MANE Select); coding-DNA position 529, C replaced by T.
Protein change: p.Pro177Ser; replaces proline 177 with serine.
Molecular consequence: missense variant.
Genome position (GRCh38, 1-based): chr18:55,350,379, G>A on the plus strand (C>T on the coding strand, the complement: TCF4 is on the minus strand). VCF-style: chr18-55350379-G-A. GRCh37 (hg19) VCF-style: chr18-53017610-G-A.
Other names: c.526C>T, p.Pro176Ser (NM_001369570.1, NM_001369573.1, NM_001369569.1); c.529C>T, p.Pro177Ser (NM_001369571.1, NM_001369572.1, NM_001369574.1 and 5 more transcripts); c.457C>T, p.Pro153Ser (NM_001369575.1, NM_001369577.1, NM_001369579.1 and 9 more transcripts); c.454C>T, p.Pro152Ser (NM_001369576.1, NM_001369578.1, NM_001369581.1 and 3 more transcripts); c.835C>T, p.Pro279Ser (NM_001243226.3); c.523C>T, p.Pro175Ser (NM_001243230.2); c.403C>T, p.Pro135Ser (NM_001243231.2, NM_001348211.2); c.316C>T, p.Pro106Ser (NM_001243232.1, NM_001306208.1); and 1 more; short protein forms P106S, P135S, P152S, P153S, P175S, P176S, P177S, P279S.
Identifiers: ClinVar variation 1301259 (VCV001301259.6), dbSNP rs2144766710, ClinGen allele CA402702369.

ClinVar aggregate classification (germline): Uncertain significance. Review status: criteria provided, multiple submitters, no conflicts (2 of 4 stars). 2 submissions from 2 submitters: Uncertain significance (2). Last evaluated 2024-11-11.

Conditions:
Pitt-Hopkins syndrome (PTHS). Also called: ENCEPHALOPATHY, SEVERE EPILEPTIC, WITH AUTONOMIC DYSFUNCTION; MENTAL RETARDATION, SYNDROMAL, WITH INTERMITTENT HYPERVENTILATION. Identifiers: Orphanet 2896, MedGen C1970431, MONDO:0012589, OMIM 610954.

Submissions (2):

Labcorp Genetics (formerly Invitae), Labcorp
Classification: Uncertain significance for Pitt-Hopkins syndrome. Last evaluated: 2024-11-11. Review status: criteria provided, single submitter. Criteria: Invitae Variant Classification Sherloc (09022015). Collection method: clinical testing. Allele origin: germline.
Comment: This sequence change replaces proline, which is neutral and non-polar, with serine, which is neutral and polar, at codon 177 of the TCF4 protein (p.Pro177Ser). This variant is not present in population databases (gnomAD no frequency). This variant has not been reported in the literature in individuals affected with TCF4-related conditions. ClinVar contains an entry for this variant (Variation ID: 1301259). Invitae Evidence Modeling of protein sequence and biophysical properties (such as structural, functional, and spatial information, amino acid conservation, physicochemical variation, residue mobility, and thermodynamic stability) indicates that this missense variant is not expected to disrupt TCF4 protein function with a negative predictive value of 95%. In summary, the available evidence is currently insufficient to determine the role of this variant in disease. Therefore, it has been classified as a Variant of Uncertain Significance.

GeneDx
Classification: Uncertain significance. Last evaluated: 2021-09-27. Review status: criteria provided, single submitter. Criteria: GeneDx Variant Classification Process June 2021. Collection method: clinical testing. Allele origin: germline. Affected: yes.
Comment: Not observed in large population cohorts (Lek et al., 2016); In silico analysis supports that this missense variant has a deleterious effect on protein structure/function; Has not been previously published as pathogenic or benign to our knowledge